The following is an entry in ClinVar:

ClinVar aggregate classification (germline): Uncertain significance (1 of 4 stars; one submission).

Conditions:
NSD1-related disorder. Also called: NSD1-related condition.

Submission:

PreventionGenetics, part of Exact Sciences
Classification: Uncertain significance for NSD1-related condition. Last evaluated: 2023-08-22. Review status: criteria provided, single submitter. Criteria: ACMG Guidelines, 2015. Collection method: clinical testing. Allele origin: germline.
Comment: The NSD1 c.4715G>A variant is predicted to result in the amino acid substitution p.Gly1572Glu. To our knowledge, this variant has not been reported in the literature or in a large population database, indicating this variant is rare. At this time, the clinical significance of this variant is uncertain due to the absence of conclusive functional and genetic evidence.

NM_022455.5(NSD1):c.4715G>A (p.Gly1572Glu)

Gene: NSD1 (nuclear receptor binding SET domain protein 1; plus strand). Cytogenetic location: 5q35.3.
Variant type: single nucleotide variant.
Coding change: c.4715G>A on transcript NM_022455.5 (MANE Select); coding-DNA position 4715, G replaced by A.
Protein change: p.Gly1572Glu; replaces glycine 1572 with glutamic acid.
Molecular consequence: missense variant.
Genome position (GRCh38, 1-based): chr5:177,251,803, G>A. VCF-style: chr5-177251803-G-A. GRCh37 (hg19) VCF-style: chr5-176678804-G-A.
Other names: c.3842G>A, p.Gly1281Glu (NM_001365684.2, NM_001409306.1, NM_001409307.1 and 3 more transcripts); c.4715G>A, p.Gly1572Glu (NM_001409301.1, NM_001409302.1, NM_001409303.1); c.4295G>A, p.Gly1432Glu (NM_001409304.1); c.3962G>A, p.Gly1321Glu (NM_001409305.1); short protein forms G1281E, G1321E, G1432E, G1572E.
Identifiers: ClinVar variation 2630833 (VCV002630833.1), dbSNP rs2480642138, ClinGen allele CA362352070.